The following is an entry in ClinVar:

NM_206937.2(LIG4):c.*204A>G

Gene: LIG4 (DNA ligase 4; minus strand). Cytogenetic location: 13q33.3.
Variant type: single nucleotide variant.
Coding change: c.*204A>G on transcript NM_206937.2 (MANE Select); 204 bases downstream of the stop codon, A replaced by G.
Molecular consequence: 3 prime UTR variant.
Genome position (GRCh38, 1-based): chr13:108,208,329, T>C on the plus strand (A>G on the coding strand, the complement: LIG4 is on the minus strand). VCF-style: chr13-108208329-T-C. GRCh37 (hg19) VCF-style: chr13-108860677-T-C.
Other names: c.*204A>G (NM_001098268.2, NM_001330595.2, NM_001352598.2 and 8 more transcripts).
Identifiers: ClinVar variation 310964 (VCV000310964.7), dbSNP rs3093769, ClinGen allele CA10642739.

ClinVar aggregate classification (germline): Benign. Review status: criteria provided, multiple submitters, no conflicts (2 of 4 stars). 4 submissions from 3 submitters: Benign (4). Last evaluated 2018-07-07.

Conditions:
DNA ligase IV deficiency. Identifiers: Orphanet 99812, MedGen C1847827, MONDO:0011686, OMIM 606593.
Severe combined immunodeficiency due to DCLRE1C deficiency (RS-SCID). Also called: SCID, AUTOSOMAL RECESSIVE, T CELL-NEGATIVE, B CELL-NEGATIVE, NK CELL-POSITIVE, WITH SENSITIVITY TO IONIZING RADIATION. Identifiers: Orphanet 275, MedGen C1865371, MONDO:0011225, OMIM 602450.

Allele frequency attached by ClinVar (database versions not stated): TOPMed 0.03417; 1000 Genomes Project 30x 0.03467; 1000 Genomes Project 0.03534; gnomAD exomes 0.00361; gnomAD 0.03052 and 0.03275.
gnomAD v4.1: 5,976 of 510,586 alleles (1.2%); highest among the groups gnomAD compares: African/African-American, 10%; 307 homozygotes.

Submissions (4):

GeneDx
Classification: Benign. Last evaluated: 2018-07-07. Review status: criteria provided, single submitter. Criteria: GeneDx Variant Classification Process June 2021. Collection method: clinical testing. Allele origin: germline. Affected: yes.

Illumina Laboratory Services, Illumina
Classification: Benign for DNA ligase IV deficiency. Last evaluated: 2018-01-13. Review status: criteria provided, single submitter. Criteria: ICSL Variant Classification Criteria 13 December 2019. Collection method: clinical testing. Allele origin: germline.
Comment: This variant was observed in the ICSL laboratory as part of a predisposition screen in an ostensibly healthy population. It had not been previously curated by ICSL or reported in the Human Gene Mutation Database (HGMD: prior to June 1st, 2018), and was therefore a candidate for classification through an automated scoring system. Utilizing variant allele frequency, disease prevalence and penetrance estimates, and inheritance mode, an automated score was calculated to assess if this variant is too frequent to cause the disease. Based on the score and internal cut-off values, a variant classified as benign is not then subjected to further curation. The score for this variant resulted in a classification of benign for this disease.

Illumina Laboratory Services, Illumina
Classification: Benign for Severe combined immunodeficiency due to DCLRE1C deficiency. Last evaluated: 2018-01-13. Review status: criteria provided, single submitter. Criteria: ICSL Variant Classification Criteria 13 December 2019. Collection method: clinical testing. Allele origin: germline.
Comment: the same text as in the submission from Illumina Laboratory Services, Illumina above.

Breakthrough Genomics
Classification: Benign. Review status: criteria provided, single submitter. Criteria: ACMG Guidelines, 2015. Collection method: not provided. Allele origin: germline. Inheritance: Autosomal recessive inheritance. Affected: yes.